The following is an entry in ClinVar:

ClinVar aggregate classification (germline): Uncertain significance. Review status: criteria provided, multiple submitters, no conflicts (2 of 4 stars). 3 submissions from 2 submitters: Uncertain significance (3). Last evaluated 2025-11-18.

Conditions:
Autosomal recessive osteopetrosis 7. Identifiers: Orphanet 178389, MedGen C2676766, MONDO:0012859, OMIM 612301.
Paget disease of bone 2, early-onset (PDB2). Also called: Paget disease of bone 2. Identifiers: MedGen C4085251, MONDO:0011183, OMIM 602080.

Allele frequency attached by ClinVar (database versions not stated): gnomAD 0.00004; TOPMed 0.00005; ExAC 0.00006; gnomAD exomes 0.00006; ESP Exome Variant Server 0.00008.

Submissions (3):

Labcorp Genetics (formerly Invitae), Labcorp
Classification: Uncertain significance. Last evaluated: 2025-11-18. Review status: criteria provided, single submitter. Criteria: Invitae Variant Classification Sherloc (09022015). Collection method: clinical testing. Allele origin: germline.
Comment: This sequence change replaces threonine, which is neutral and polar, with methionine, which is neutral and non-polar, at codon 166 of the TNFRSF11A protein (p.Thr166Met). This variant is present in population databases (rs376096275, gnomAD 0.02%). This missense change has been observed in individual(s) with deafness (PMID: 36597107). ClinVar contains an entry for this variant (Variation ID: 327730). Invitae Evidence Modeling of protein sequence and biophysical properties (such as structural, functional, and spatial information, amino acid conservation, physicochemical variation, residue mobility, and thermodynamic stability) indicates that this missense variant is not expected to disrupt TNFRSF11A protein function with a negative predictive value of 80%. In summary, the available evidence is currently insufficient to determine the role of this variant in disease. Therefore, it has been classified as a Variant of Uncertain Significance.

Illumina Laboratory Services, Illumina
Classification: Uncertain significance for Autosomal recessive osteopetrosis 7. Last evaluated: 2018-01-13. Review status: criteria provided, single submitter. Criteria: ICSL Variant Classification Criteria 13 December 2019. Collection method: clinical testing. Allele origin: germline.

Illumina Laboratory Services, Illumina
Classification: Uncertain significance for Paget disease of bone 2, early-onset. Last evaluated: 2018-01-13. Review status: criteria provided, single submitter. Criteria: ICSL Variant Classification Criteria 13 December 2019. Collection method: clinical testing. Allele origin: germline.

Literature cited by the submitters: PubMed 36597107 (cited by Labcorp Genetics (formerly Invitae), Labcorp).

NM_003839.4(TNFRSF11A):c.497C>T (p.Thr166Met)

Gene: TNFRSF11A (TNF receptor superfamily member 11a; plus strand). Cytogenetic location: 18q21.33.
Variant type: single nucleotide variant.
Coding change: c.497C>T on transcript NM_003839.4 (MANE Select); coding-DNA position 497, C replaced by T.
Protein change: p.Thr166Met; replaces threonine 166 with methionine.
Molecular consequence: missense variant.
Genome position (GRCh38, 1-based): chr18:62,358,317, C>T. VCF-style: chr18-62358317-C-T. GRCh37 (hg19) VCF-style: chr18-60025550-C-T.
Other names: c.497C>T, p.Thr166Met (NM_001270949.2, NM_001270950.2, NM_001270951.2); c.455C>T, p.Thr152Met (NM_001278268.2); short protein forms T166M, T152M.
Identifiers: ClinVar variation 327730 (VCV000327730.9), dbSNP rs376096275, ClinGen allele CA8983775.
Genomic context (GRCh38, chr18:62,358,317, plus strand): 5'-ACAAGGACACAGTGTGCAAACCTTGCCTTGCAGGCTACTTCTCTGATGCCTTTTCCTCCA[C>T]GGACAAATGCAGACCCTGGACCAAGTAAGTAACAACAAAGGAGTCAGAAGAGATGGTTGG-3'
Protein context (NP_003830.1, residues 156-176): AGYFSDAFSS[Thr166Met]DKCRPWTNCT